The following is an entry in ClinVar:

NM_005228.5(EGFR):c.3288C>T (p.Ser1096=)

Gene: EGFR (epidermal growth factor receptor; plus strand). Cytogenetic location: 7p11.2.
Variant type: single nucleotide variant.
Coding change: c.3288C>T on transcript NM_005228.5 (MANE Select); coding-DNA position 3288, C replaced by T.
Protein change: p.Ser1096=; no amino-acid change (serine 1096 retained).
Molecular consequence: synonymous variant.
Genome position (GRCh38, 1-based): chr7:55,205,272, C>T. VCF-style: chr7-55205272-C-T. GRCh37 (hg19) VCF-style: chr7-55272965-C-T.
Other names: c.3288C>T (NM_005228.3, NM_005228.4); c.3153C>T, p.Ser1051= (NM_001346899.2); c.3129C>T, p.Ser1043= (NM_001346900.2); c.2487C>T, p.Ser829= (NM_001346941.2).
Identifiers: ClinVar variation 1128881 (VCV001128881.12), dbSNP rs143770509, ClinGen allele CA4266370.

ClinVar aggregate classification (germline): Likely benign. Review status: criteria provided, multiple submitters, no conflicts (2 of 4 stars). 3 submissions from 3 submitters: Likely benign (2). 1 of the submissions does not count toward it. Last evaluated 2026-02-04.

Conditions:
Hereditary cancer-predisposing syndrome. Also called: Hereditary neoplastic syndrome; Hereditary Cancer Syndrome; Tumor predisposition; Neoplastic Syndromes, Hereditary. Identifiers: Orphanet 140162, MedGen C0027672, MeSH D009386, MONDO:0015356.
EGFR-related lung cancer (EGFR). Identifiers: MedGen CN130014.
EGFR-related disorder. Also called: EGFR-related condition.

Allele frequency attached by ClinVar (database versions not stated): ExAC 0.00006; gnomAD exomes 0.00006; gnomAD 0.00022 and 0.00023; TOPMed 0.00022; ESP Exome Variant Server 0.00023.
gnomAD v4.1: 66 of 1,613,252 alleles (0.0041%); highest among the groups gnomAD compares: African/African-American, 0.055%; no homozygotes.

Submissions (3):

Labcorp Genetics (formerly Invitae), Labcorp
Classification: Likely benign for EGFR-related lung cancer. Last evaluated: 2026-02-04. Review status: criteria provided, single submitter. Criteria: Invitae Variant Classification Sherloc (09022015). Collection method: clinical testing. Allele origin: germline.

Ambry Genetics
Classification: Likely benign for Hereditary cancer-predisposing syndrome. Last evaluated: 2024-08-21. Review status: criteria provided, single submitter. Criteria: Ambry Variant Classification Scheme 2023. Collection method: clinical testing. Allele origin: germline.

PreventionGenetics, part of Exact Sciences
Classification: Likely benign for EGFR-related condition. Last evaluated: 2023-10-04. Review status: no assertion criteria provided. Collection method: clinical testing. Allele origin: germline. Not counted in ClinVar's aggregate classification.
Comment: This variant is classified as likely benign based on ACMG/AMP sequence variant interpretation guidelines (Richards et al. 2015 PMID: 25741868, with internal and published modifications).